The following is an entry in ClinVar:

ClinVar aggregate classification (germline): Likely benign (1 of 4 stars; one submission).

Conditions:
Arrhythmogenic cardiomyopathy with wooly hair and keratoderma. Also called: Carvajal syndrome; PALMOPLANTAR KERATODERMA WITH LEFT VENTRICULAR CARDIOMYOPATHY AND WOOLLY HAIR; Dilated cardiomyopathy with woolly hair and keratoderma; Arrhythmogenic cardiomyopathy with woolly hair and keratoderma. Identifiers: Orphanet 65282, MedGen C1854063, MONDO:0011581, OMIM 605676.

Submission:

All of Us Research Program, National Institutes of Health
Classification: Likely benign for Arrhythmogenic cardiomyopathy with wooly hair and keratoderma. Last evaluated: 2023-04-10. Review status: criteria provided, single submitter. Criteria: ACMG Guidelines, 2015. Collection method: clinical testing. Allele origin: germline. Inheritance: Autosomal dominant inheritance. Observed: 1 variant allele, 1 heterozygote.
Comment: This study involves interpretation of variants in research participants for the purpose of population health screening. Participant phenotype was not available at the time of variant classification. Additional details can be found in publication PMID: 35346344, PMCID: PMC8962531

NM_004415.4(DSP):c.586A>C (p.Arg196=)

Gene: DSP (desmoplakin; plus strand). Cytogenetic location: 6p24.3.
Variant type: single nucleotide variant.
Coding change: c.586A>C on transcript NM_004415.4 (MANE Select); coding-DNA position 586, A replaced by C.
Protein change: p.Arg196=; no amino-acid change (arginine 196 retained).
Molecular consequence: synonymous variant.
Genome position (GRCh38, 1-based): chr6:7,559,389, A>C. VCF-style: chr6-7559389-A-C. GRCh37 (hg19) VCF-style: chr6-7559622-A-C.
Other names: c.586A>C, p.Arg196= (NM_001008844.3, NM_001319034.2, NM_001406591.1).
Identifiers: ClinVar variation 3070357 (VCV003070357.1), dbSNP rs751257955, ClinGen allele CA448514239.